The following is an entry in ClinVar:

NC_000023.11:g.(?_31609621)_(32365209_?)del

Gene: DMD (dystrophin; minus strand). Cytogenetic location: Xp21.1.
Variant type: Deletion.
Identifiers: ClinVar variation 833493 (VCV000833493.9).

ClinVar aggregate classification (germline): Pathogenic (1 of 4 stars; one submission).

Conditions:
Duchenne muscular dystrophy (DMD). Also called: Duchenne Muscular Dystrophy (DMD); MUSCULAR DYSTROPHY, PSEUDOHYPERTROPHIC PROGRESSIVE, DUCHENNE TYPE. Identifiers: Orphanet 98896, MedGen C0013264, MONDO:0010679, OMIM 310200.

Submission:

Labcorp Genetics (formerly Invitae), Labcorp
Classification: Pathogenic for Duchenne muscular dystrophy. Last evaluated: 2019-03-22. Review status: criteria provided, single submitter. Criteria: Invitae Variant Classification Sherloc (09022015). Collection method: clinical testing. Allele origin: germline.
Comment: This variant is a gross deletion of the genomic region encompassing exons 35-79 of the DMD gene. The 5' boundary is likely confined to intron 34. The 3' end of this event is unknown as it extends through the termination codon beyond the assayed region for this gene and may encompass additional genes. While this deletion is not anticipated to result in nonsense mediated decay, it is expected to create a truncated protein product or disrupt mRNA translation. For these reasons, this variant has been classified as Pathogenic. Sub-genic deletions of exons 45-46, 47 and 48 have been determined to be pathogenic (PMID: 19937601, 26081009, 28247318, 27854212). Therefore, deletions that fully encompass that region are also expected to be pathogenic. This variant has not been reported in the literature in individuals with DMD-related conditions.

Literature cited by the submitters: PubMed 19937601; PubMed 26081009; PubMed 28247318; PubMed 27854212.